The following is an entry in ClinVar:

NM_004380.3(CREBBP):c.7156G>A (p.Gly2386Arg)

Gene: CREBBP (CREB binding protein; minus strand). Cytogenetic location: 16p13.3.
Variant type: single nucleotide variant.
Coding change: c.7156G>A on transcript NM_004380.3 (MANE Select); coding-DNA position 7156, G replaced by A.
Protein change: p.Gly2386Arg; replaces glycine 2386 with arginine.
Molecular consequence: missense variant.
Genome position (GRCh38, 1-based): chr16:3,727,891, C>T on the plus strand (G>A on the coding strand, the complement: CREBBP is on the minus strand). VCF-style: chr16-3727891-C-T. GRCh37 (hg19) VCF-style: chr16-3777892-C-T.
Other names: p.Gly2386Arg; c.7042G>A, p.Gly2348Arg (NM_001079846.1); short protein forms G2348R, G2386R.
Identifiers: ClinVar variation 1803786 (VCV001803786.2), dbSNP rs1171889477, ClinGen allele CA394550419.

ClinVar aggregate classification (germline): Uncertain significance (1 of 4 stars; one submission).

Conditions:
Menke-Hennekam syndrome 1 (MKHK1). Identifiers: MedGen C5193034, MONDO:0020763, OMIM 618332.

Allele frequency attached by ClinVar (database versions not stated): TOPMed below 0.00001; gnomAD exomes 0.00001.
gnomAD v4.1: 11 of 1,613,024 alleles (0.00068%); highest among the groups gnomAD compares: Non-Finnish European, 0.00085%; no homozygotes.

Submission:

Foundation for Research in Genetics and Endocrinology, FRIGE's Institute of Human Genetics
Classification: Uncertain significance for Menke-Hennekam syndrome 1. Last evaluated: 2022-11-28. Review status: criteria provided, single submitter. Criteria: ACMG Guidelines, 2015. Collection method: clinical testing. Allele origin: germline. Inheritance: Autosomal dominant inheritance. Affected: yes. Observed: 1 heterozygote.
Comment: A heterozygous missense variation in exon 31 of the CREBBP gene that results in the amino acid substitution of Arginine for Glycine at codon 2386 (p.Gly2386Arg) was detected. The p.Gly2386Arg variant has not been reported in the 1000 genomes and gnomAD databases. The in silico predictions of the variant are possibly damaging by PolyPhen-2 (HumDiv) and damaging by SIFT and LRT. The reference codon is conserved across species. In summary, the variant meets our criteria to be classified as variant of uncertain significance.